The following is an entry in ClinVar:

NM_001136046.3(ZMYND15):c.1848C>T (p.Ser616=)

Gene: ZMYND15 (zinc finger MYND-type containing 15; plus strand). Cytogenetic location: 17p13.2.
Variant type: single nucleotide variant.
Coding change: c.1848C>T on transcript NM_001136046.3 (MANE Select); coding-DNA position 1848, C replaced by T.
Protein change: p.Ser616=; no amino-acid change (serine 616 retained).
Molecular consequence: synonymous variant.
Genome position (GRCh38, 1-based): chr17:4,744,880, C>T. VCF-style: chr17-4744880-C-T. GRCh37 (hg19) VCF-style: chr17-4648175-C-T.
Other names: c.1872C>T, p.Ser624= (NM_001267822.1); c.1731C>T, p.Ser577= (NM_032265.2).
Identifiers: ClinVar variation 3024832 (VCV003024832.22), dbSNP rs61743945, ClinGen allele CA8309975.

ClinVar aggregate classification (germline): Benign (1 of 4 stars; one submission).

Allele frequency attached by ClinVar (database versions not stated): gnomAD exomes 0.00652; ESP Exome Variant Server 0.00961; ExAC 0.01074; gnomAD 0.01205; TOPMed 0.01362; 1000 Genomes Project 0.01538; 1000 Genomes Project 30x 0.01562.
gnomAD v4.1: 11,823 of 1,614,076 alleles (0.73%); highest among the groups gnomAD compares: Middle Eastern, 5.8%; 148 homozygotes.

Submission:

CeGaT Center for Human Genetics Tuebingen
Classification: Benign. Last evaluated: 2025-09-01. Review status: criteria provided, single submitter. Criteria: CeGaT Center For Human Genetics Tuebingen Variant Classification Criteria Version 2. Collection method: clinical testing. Allele origin: germline. Affected: yes. Observed: 6 variant alleles.
Comment: ZMYND15: BP4, BP7, BS1, BS2